The following is an entry in ClinVar:

NM_152564.5(VPS13B):c.4856T>C (p.Leu1619Pro)

Gene: VPS13B (vacuolar protein sorting 13 homolog B; plus strand). Cytogenetic location: 8q22.2.
Variant type: single nucleotide variant.
Coding change: c.4856T>C on transcript NM_152564.5 (MANE Select); coding-DNA position 4856, T replaced by C.
Protein change: p.Leu1619Pro; replaces leucine 1619 with proline.
Molecular consequence: missense variant.
Genome position (GRCh38, 1-based): chr8:99,556,560, T>C. VCF-style: chr8-99556560-T-C. GRCh37 (hg19) VCF-style: chr8-100568788-T-C.
Other names: c.4931T>C, p.Leu1644Pro (NM_017890.5); short protein forms L1619P, L1644P.
Identifiers: ClinVar variation 4979272 (VCV004979272.1).
Genomic context (GRCh38, chr8:99,556,560, plus strand): 5'-ACAGACAATACCAAATAGATCTGCAGTCCATCAATATTGGTACTGCACAGTGGCATCAAC[T>C]AAAACCAGAGAAGGAAAGTGTCTCAGGAGGGGTGGTAACAGAGACTGAAAGGAATTCTCA-3'
Protein context (NP_689777.3, residues 1609-1629): INIGTAQWHQ[Leu1619Pro]KPEKESVSGG

ClinVar aggregate classification (germline): Uncertain significance (1 of 4 stars; one submission).

Conditions:
VPS13B-related disorder. Also called: VPS13B-related condition.

gnomAD v4.1: 2 of 1,613,314 alleles (0.00012%); highest among the groups gnomAD compares: Non-Finnish European, 0.00017%; no homozygotes.

Submission:

PreventionGenetics, part of Exact Sciences
Classification: Uncertain significance for VPS13B-related condition. Last evaluated: 2025-04-16. Review status: criteria provided, single submitter. Criteria: ACMG Guidelines, 2015. Collection method: clinical testing. Allele origin: germline.
Comment: The VPS13B c.4856T>C variant is predicted to result in the amino acid substitution p.Leu1619Pro. To our knowledge, this variant has not been reported in the literature or in a large population database (gnomAD), indicating this variant is rare. At this time, the clinical significance of this variant is uncertain due to the absence of conclusive functional and genetic evidence.